The following is an entry in ClinVar:

ClinVar aggregate classification (germline): Uncertain significance. Review status: criteria provided, multiple submitters, no conflicts (2 of 4 stars). 2 submissions from 2 submitters: Uncertain significance (2). Last evaluated 2024-05-25.

Conditions:
Jeune thoracic dystrophy. Also called: Jeune syndrome; Infantile thoracic dystrophy; Thoracic pelvic phalangeal dystrophy; Jeune's syndrome; Chondroectodermal dysplasia-like syndrome; Short-rib thoracic dysplasia. Identifiers: Orphanet 474, MedGen C0265275, MONDO:0018770.
Asphyxiating thoracic dystrophy 2 (SRTD2). Also called: SHORT-RIB THORACIC DYSPLASIA 2 WITH OR WITHOUT POLYDACTYLY; SHORT-RIB THORACIC DYSPLASIA 2 WITH POLYDACTYLY; SHORT-RIB THORACIC DYSPLASIA 2 WITHOUT POLYDACTYLY. Identifiers: Orphanet 474, MedGen C1970005, MONDO:0012644, OMIM 611263.

Allele frequency attached by ClinVar (database versions not stated): gnomAD exomes below 0.00001; TOPMed below 0.00001.
gnomAD v4.1: 1 of 1,609,430 alleles (0.000062%); highest among the groups gnomAD compares: Non-Finnish European, 0.000085%; no homozygotes.

Submissions (2):

Fulgent Genetics
Classification: Uncertain significance for Asphyxiating thoracic dystrophy 2. Last evaluated: 2024-05-25. Review status: criteria provided, single submitter. Criteria: ACMG Guidelines, 2015. Collection method: clinical testing. Allele origin: germline.

Labcorp Genetics (formerly Invitae), Labcorp
Classification: Uncertain significance for Jeune thoracic dystrophy. Last evaluated: 2022-05-16. Review status: criteria provided, single submitter. Criteria: Invitae Variant Classification Sherloc (09022015). Collection method: clinical testing. Allele origin: germline.
Comment: This variant has not been reported in the literature in individuals affected with IFT80-related conditions. In summary, the available evidence is currently insufficient to determine the role of this variant in disease. Therefore, it has been classified as a Variant of Uncertain Significance. Algorithms developed to predict the effect of missense changes on protein structure and function (SIFT, PolyPhen-2, Align-GVGD) all suggest that this variant is likely to be disruptive. This variant is present in population databases (no rsID available, gnomAD 0.0009%). This sequence change replaces isoleucine, which is neutral and non-polar, with threonine, which is neutral and polar, at codon 440 of the IFT80 protein (p.Ile440Thr).

NM_020800.3(IFT80):c.1319T>C (p.Ile440Thr)

Genes: TRIM59-IFT80 (TRIM59-IFT80 readthrough (NMD candidate); minus strand), IFT80 (intraflagellar transport 80; minus strand). Cytogenetic location: 3q25.33.
Variant type: single nucleotide variant.
Coding change: c.1319T>C on transcript NM_020800.3 (MANE Select); coding-DNA position 1319, T replaced by C.
Protein change: p.Ile440Thr; replaces isoleucine 440 with threonine.
Molecular consequence: missense variant. On other transcripts: non-coding transcript variant (3).
Genome position (GRCh38, 1-based): chr3:160,285,865, A>G on the plus strand (T>C on the coding strand, the complement: IFT80 is on the minus strand). VCF-style: chr3-160285865-A-G. GRCh37 (hg19) VCF-style: chr3-160003653-A-G.
Other names: c.908T>C, p.Ile303Thr (NM_001190241.2, NM_001190242.2); short protein forms I303T, I440T.
Identifiers: ClinVar variation 2156692 (VCV002156692.5), dbSNP rs1559919327, ClinGen allele CA355192652.